The following is an entry in ClinVar:

ClinVar aggregate classification (germline): Benign/Likely benign. Review status: criteria provided, multiple submitters, no conflicts (2 of 4 stars). 7 submissions from 7 submitters: Benign (4); Likely benign (2). 1 of the submissions does not count toward it. Last evaluated 2026-09-01.

Conditions:
PIK3CD-related disorder. Also called: PIK3CD-related condition.
Immunodeficiency 14 (IMD14A). Also called: Activated PI3K Delta Syndrome Type 1 (APDS1); p110-DELTA-ACTIVATING MUTATION CAUSING SENESCENT T CELLS, LYMPHADENOPATHY, AND IMMUNODEFICIENCY; IMMUNODEFICIENCY 14A WITH LYMPHOPROLIFERATION, AUTOSOMAL DOMINANT; ACTIVATED PI3K-DELTA SYNDROME 1. Identifiers: Orphanet 397596, Orphanet 693661, MedGen C5907821, MONDO:0014222, OMIM 615513.

Allele frequency attached by ClinVar (database versions not stated): ExAC 0.00345; gnomAD 0.00350 and 0.00330; ESP Exome Variant Server 0.00461; gnomAD exomes 0.00518 and 0.00326; 1000 Genomes Project 0.00120; 1000 Genomes Project 30x 0.00125; TOPMed 0.00269.
gnomAD v4.1: 7,900 of 1,614,066 alleles (0.49%); highest among the groups gnomAD compares: Non-Finnish European, 0.62%; 24 homozygotes.

Submissions (7):

CeGaT Center for Human Genetics Tuebingen
Classification: Likely benign. Last evaluated: 2026-09-01. Review status: criteria provided, single submitter. Criteria: CeGaT Center For Human Genetics Tuebingen Variant Classification Criteria Version 2. Collection method: clinical testing. Allele origin: germline. Affected: yes. Observed: 13 variant alleles.
Comment: PIK3CD: BP4, BP7, BS2

Labcorp Genetics (formerly Invitae), Labcorp
Classification: Benign for Activated PI3K-delta syndrome. Last evaluated: 2026-02-02. Review status: criteria provided, single submitter. Criteria: Invitae Variant Classification Sherloc (09022015). Collection method: clinical testing. Allele origin: germline.

Blueprint Genetics
Classification: Likely benign. Last evaluated: 2024-11-25. Review status: criteria provided, single submitter. Criteria: ACMG Guidelines, 2015. Collection method: clinical testing. Allele origin: germline.

ARUP Laboratories, Molecular Genetics and Genomics, ARUP Laboratories
Classification: Benign. Last evaluated: 2024-08-12. Review status: criteria provided, single submitter. Criteria: ARUP Molecular Germline Variant Investigation Process 2024. Collection method: clinical testing. Allele origin: germline.

Genetic Services Laboratory, University of Chicago
Classification: Benign. Last evaluated: 2021-05-05. Review status: criteria provided, single submitter. Criteria: ACMG Guidelines, 2015. Collection method: clinical testing. Allele origin: germline. Affected: no.

Mayo Clinic Laboratories, Mayo Clinic
Classification: Benign. Last evaluated: 2019-12-31. Review status: criteria provided, single submitter. Criteria: ACMG Guidelines, 2015. Collection method: clinical testing. Allele origin: germline. Observed: 10 variant alleles.

PreventionGenetics, part of Exact Sciences
Classification: Benign for PIK3CD-related condition. Last evaluated: 2019-07-31. Review status: no assertion criteria provided. Collection method: clinical testing. Allele origin: germline. Not counted in ClinVar's aggregate classification.
Comment: This variant is classified as benign based on ACMG/AMP sequence variant interpretation guidelines (Richards et al. 2015 PMID: 25741868, with internal and published modifications).

NM_005026.5(PIK3CD):c.2820T>C (p.His940=)

Gene: PIK3CD (phosphatidylinositol-4,5-bisphosphate 3-kinase catalytic subunit delta; plus strand). Cytogenetic location: 1p36.22.
Variant type: single nucleotide variant.
Coding change: c.2820T>C on transcript NM_005026.5 (MANE Select); coding-DNA position 2820, T replaced by C.
Protein change: p.His940=; no amino-acid change (histidine 940 retained).
Molecular consequence: synonymous variant.
Genome position (GRCh38, 1-based): chr1:9,724,377, T>C. VCF-style: chr1-9724377-T-C. GRCh37 (hg19) VCF-style: chr1-9784435-T-C.
Other names: p.His940=; c.2820T>C (LRG_191t1); c.2817T>C, p.His939= (NM_001350234.2); c.2733T>C, p.His911= (NM_001350235.1).
Identifiers: ClinVar variation 440068 (VCV000440068.60), dbSNP rs28730679, ClinGen allele CA577633.